The following is an entry in ClinVar:

ClinVar aggregate classification (germline): Uncertain significance (1 of 4 stars; one submission).

Conditions:
Propionic acidemia (PROP). Also called: GLYCINEMIA, KETOTIC; HYPERGLYCINEMIA WITH KETOACIDOSIS AND LEUKOPENIA; KETOTIC HYPERGLYCINEMIA. Identifiers: Orphanet 35, MedGen C0268579, MONDO:0011628, OMIM 606054, HP:0003571.

Allele frequency attached by ClinVar (database versions not stated): gnomAD exomes below 0.00001.
gnomAD v4.1: 1 of 1,614,016 alleles (0.000062%); highest among the groups gnomAD compares: Non-Finnish European, 0.000085%; no homozygotes.

Submission:

Labcorp Genetics (formerly Invitae), Labcorp
Classification: Uncertain significance for Propionic acidemia. Last evaluated: 2022-05-30. Review status: criteria provided, single submitter. Criteria: Invitae Variant Classification Sherloc (09022015). Collection method: clinical testing. Allele origin: germline.
Comment: Advanced modeling of protein sequence and biophysical properties (such as structural, functional, and spatial information, amino acid conservation, physicochemical variation, residue mobility, and thermodynamic stability) performed at Invitae indicates that this missense variant is not expected to disrupt PCCA protein function. This sequence change replaces lysine, which is basic and polar, with glutamic acid, which is acidic and polar, at codon 635 of the PCCA protein (p.Lys635Glu). This variant is present in population databases (no rsID available, gnomAD 0.0009%). This variant has not been reported in the literature in individuals affected with PCCA-related conditions. In summary, the available evidence is currently insufficient to determine the role of this variant in disease. Therefore, it has been classified as a Variant of Uncertain Significance.

NM_000282.4(PCCA):c.1903A>G (p.Lys635Glu)

Gene: PCCA (propionyl-CoA carboxylase subunit alpha; plus strand). Cytogenetic location: 13q32.3.
Variant type: single nucleotide variant.
Coding change: c.1903A>G on transcript NM_000282.4 (MANE Select); coding-DNA position 1903, A replaced by G.
Protein change: p.Lys635Glu; replaces lysine 635 with glutamic acid.
Molecular consequence: missense variant. On other transcripts: non-coding transcript variant (4), intron variant (2).
Genome position (GRCh38, 1-based): chr13:100,515,430, A>G. VCF-style: chr13-100515430-A-G. GRCh37 (hg19) VCF-style: chr13-101167684-A-G.
Other names: c.1825A>G, p.Lys609Glu (NM_001127692.3); c.1849A>G, p.Lys617Glu (NM_001352605.2); c.1759A>G, p.Lys587Glu (NM_001352606.2); c.1681A>G, p.Lys561Glu (NM_001352608.2); c.958A>G, p.Lys320Glu (NM_001352610.2); c.904A>G, p.Lys302Glu (NM_001352611.2); c.814A>G, p.Lys272Glu (NM_001352612.2); c.1900-12245A>G (NM_001178004.2); and 1 more; short protein forms K302E, K320E, K561E, K617E, K587E, K635E, K272E, K609E.
Identifiers: ClinVar variation 1951760 (VCV001951760.5), dbSNP rs1464991518, ClinGen allele CA388640157.